The following is an entry in ClinVar:

NM_004924.6(ACTN4):c.608A>C (p.His203Pro)

Gene: ACTN4 (actinin alpha 4; plus strand). Cytogenetic location: 19q13.2.
Variant type: single nucleotide variant.
Coding change: c.608A>C on transcript NM_004924.6 (MANE Select); coding-DNA position 608, A replaced by C.
Protein change: p.His203Pro; replaces histidine 203 with proline.
Molecular consequence: missense variant.
Genome position (GRCh38, 1-based): chr19:38,708,152, A>C. VCF-style: chr19-38708152-A-C. GRCh37 (hg19) VCF-style: chr19-39198792-A-C.
Other names: c.608A>C, p.His203Pro (NM_001322033.2, NM_001411143.1); short protein forms H203P.
Identifiers: ClinVar variation 3035302 (VCV003035302.2), dbSNP rs2515210564, ClinGen allele CA405693184.

ClinVar aggregate classification (germline): Likely pathogenic (0 of 4 stars; one submission).

Conditions:
ACTN4-related disorder. Also called: ACTN4-related condition.

Submission:

PreventionGenetics, part of Exact Sciences
Classification: Likely pathogenic for ACTN4-related condition. Last evaluated: 2024-01-05. Review status: no assertion criteria provided. Collection method: clinical testing. Allele origin: germline.
Comment: The ACTN4 c.608A>C variant is predicted to result in the amino acid substitution p.His203Pro. To our knowledge, this variant has not been reported in the literature or in a large population database, indicating this variant is rare. This variant is interpreted as likely pathogenic.